The following is an entry in ClinVar:

NM_017617.5(NOTCH1):c.1669+4C>T

Gene: NOTCH1 (notch receptor 1; minus strand). Cytogenetic location: 9q34.3.
Variant type: single nucleotide variant.
Coding change: c.1669+4C>T on transcript NM_017617.5 (MANE Select); 4 bases into the intron after coding-DNA position 1669, C replaced by T.
Molecular consequence: intron variant.
Genome position (GRCh38, 1-based): chr9:136,515,977, G>A on the plus strand (C>T on the coding strand, the complement: NOTCH1 is on the minus strand). VCF-style: chr9-136515977-G-A. GRCh37 (hg19) VCF-style: chr9-139410429-G-A.
Identifiers: ClinVar variation 2988009 (VCV002988009.3), dbSNP rs1227337588, ClinGen allele CA591367327.

ClinVar aggregate classification (germline): Uncertain significance (1 of 4 stars; one submission).

Conditions:
Adams-Oliver syndrome 5 (AOS5). Identifiers: Orphanet 974, MedGen C4014970, MONDO:0014459, OMIM 616028.

Allele frequency attached by ClinVar (database versions not stated): gnomAD 0.00001.
gnomAD v4.1: 13 of 1,606,050 alleles (0.00081%); highest among the groups gnomAD compares: South Asian, 0.0011%; no homozygotes.

Submission:

Labcorp Genetics (formerly Invitae), Labcorp
Classification: Uncertain significance for Adams-Oliver syndrome 5. Last evaluated: 2024-11-11. Review status: criteria provided, single submitter. Criteria: Invitae Variant Classification Sherloc (09022015). Collection method: clinical testing. Allele origin: germline.
Comment: This sequence change falls in intron 10 of the NOTCH1 gene. It does not directly change the encoded amino acid sequence of the NOTCH1 protein. It affects a nucleotide within the consensus splice site. The frequency data for this variant in the population databases is considered unreliable, as metrics indicate poor data quality at this position in the gnomAD database. This variant has not been reported in the literature in individuals affected with NOTCH1-related conditions. ClinVar contains an entry for this variant (Variation ID: 2988009). Variants that disrupt the consensus splice site are a relatively common cause of aberrant splicing (PMID: 17576681, 9536098). Algorithms developed to predict the effect of sequence changes on RNA splicing suggest that this variant is not likely to affect RNA splicing. In summary, the available evidence is currently insufficient to determine the role of this variant in disease. Therefore, it has been classified as a Variant of Uncertain Significance.

Literature cited by the submitters: PubMed 17576681; PubMed 9536098.